The following is an entry in ClinVar:

NM_000038.6(APC):c.8484C>G (p.Thr2828=)

Gene: APC (APC regulator of Wnt signaling pathway; plus strand). Cytogenetic location: 5q22.2.
Variant type: single nucleotide variant.
Coding change: c.8484C>G on transcript NM_000038.6 (MANE Select); coding-DNA position 8484, C replaced by G.
Protein change: p.Thr2828=; no amino-acid change (threonine 2828 retained).
Molecular consequence: synonymous variant.
Genome position (GRCh38, 1-based): chr5:112,844,078, C>G. VCF-style: chr5-112844078-C-G. GRCh37 (hg19) VCF-style: chr5-112179775-C-G.
Other names: c.8484C>G, p.Thr2828= (NM_001127510.3, NM_001354895.2); c.8430C>G, p.Thr2810= (NM_001127511.3); c.8538C>G, p.Thr2846= (NM_001354896.2); c.8514C>G, p.Thr2838= (NM_001354897.2); c.8409C>G, p.Thr2803= (NM_001354898.2); c.8400C>G, p.Thr2800= (NM_001354899.2); c.8361C>G, p.Thr2787= (NM_001354900.2); c.8307C>G, p.Thr2769= (NM_001354901.2); and 5 more.
Identifiers: ClinVar variation 220319 (VCV000220319.11), dbSNP rs864622473, ClinGen allele CA350865.

ClinVar aggregate classification (germline): Benign/Likely benign. Review status: criteria provided, multiple submitters, no conflicts (2 of 4 stars). 2 submissions from 2 submitters: Benign (1); Likely benign (1). Last evaluated 2024-04-16.

Conditions:
Familial adenomatous polyposis 1 (FAP1). Also called: FAMILIAL ADENOMATOUS POLYPOSIS 1, ATTENUATED; POLYPOSIS, ADENOMATOUS INTESTINAL. Identifiers: MedGen C2713442, MONDO:0021056, OMIM 175100. Disease mechanism: loss of function.

Submissions (2):

Myriad Genetics, Inc.
Classification: Benign for Familial adenomatous polyposis 1. Last evaluated: 2024-04-16. Review status: criteria provided, single submitter. Criteria: Myriad Autosomal Dominant, Autosomal Recessive and X-Linked Classification Criteria (2023). Collection method: clinical testing. Allele origin: unknown.
Comment: This variant is considered benign. This variant is a silent/synonymous amino acid change and it is not expected to impact splicing.

Labcorp Genetics (formerly Invitae), Labcorp
Classification: Likely benign for Familial adenomatous polyposis 1. Last evaluated: 2015-10-30. Review status: criteria provided, single submitter. Criteria: Invitae Variant Classification Sherloc (09022015). Collection method: clinical testing. Allele origin: germline.